The following is an entry in ClinVar:

NM_002831.6(PTPN6):c.1674-133T>C

Genes: PTPN6 (protein tyrosine phosphatase non-receptor type 6; plus strand), LOC130007304 (ATAC-STARR-seq lymphoblastoid active region 5908; plus strand). Cytogenetic location: 12p13.31.
Variant type: single nucleotide variant.
Coding change: c.1674-133T>C on transcript NM_002831.6 (MANE Select); 133 bases into the intron before coding-DNA position 1674, T replaced by C.
Molecular consequence: intron variant. On other transcripts: missense variant (1).
Genome position (GRCh38, 1-based): chr12:6,960,673, T>C. VCF-style: chr12-6960673-T-C. GRCh37 (hg19) VCF-style: chr12-7069836-T-C.
Other names: c.1684T>C, p.Ser562Pro (NM_080549.4); c.1680-133T>C (NM_080548.5); short protein forms S562P.
Identifiers: ClinVar variation 4083613 (VCV004083613.8).

ClinVar aggregate classification (germline): Benign (1 of 4 stars; one submission).

gnomAD v4.1: 4,918 of 1,550,824 alleles (0.32%); highest among the groups gnomAD compares: Non-Finnish European, 0.37%; 9 homozygotes.

Submission:

CeGaT Center for Human Genetics Tuebingen
Classification: Benign. Last evaluated: 2025-07-01. Review status: criteria provided, single submitter. Criteria: CeGaT Center For Human Genetics Tuebingen Variant Classification Criteria Version 2. Collection method: clinical testing. Allele origin: germline. Affected: yes. Observed: 1 variant allele.
Comment: PTPN6: BP4, BS1, BS2